The following is an entry in ClinVar:

NM_024675.4(PALB2):c.1035_1038del (p.Lys346fs)

Gene: PALB2 (partner and localizer of BRCA2; minus strand). Cytogenetic location: 16p12.2.
Variant type: Deletion.
Coding change: c.1035_1038del on transcript NM_024675.4 (MANE Select); coding-DNA positions 1035 to 1038, 4 bases deleted (AAAA; older notation c.1035_1038delAAAA).
Protein change: p.Lys346fs; shifts the reading frame from lysine 346.
Molecular consequence: frameshift variant. On other transcripts: intron variant (3).
Genome position (GRCh38, 1-based): chr16:23,635,508-23,635,511, TTTT deleted on the plus strand (AAAA on the coding strand, the reverse complement: PALB2 is on the minus strand). VCF-style (leftmost placement, unchanged base first): chr16-23635507-CTTTT-C. GRCh37 (hg19) VCF-style: chr16-23646828-CTTTT-C.
Other names: c.1035_1038delAAAA (NM_024675.4); c.975_978del, p.Lys326fs (NM_001407296.1); c.1035_1038del, p.Lys346fs (NM_001407297.1, NM_001407298.1, NM_001407299.1 and 3 more transcripts); c.150_153del, p.Lys51fs (NM_001407304.1, NM_001407305.1, NM_001407306.1 and 5 more transcripts); c.48+5599_48+5602del (NM_001407314.1); c.-104-5042_-104-5039del (NM_001407313.1, NM_001407312.1); short protein forms K346fs, K51fs, K326fs.
Identifiers: ClinVar variation 4526050 (VCV004526050.1).
Genomic context (GRCh38, chr16:23,635,507, plus strand): 5'-CATTCCTGCCATCAAGAGTGTCACTGGGAGATTTTAAAGATTTCTCTGTTTGATTTTGTT[CTTTT>C]AAGTTTTGGTTTTCATTTGCTGGTAAGTTATTGTAGGTGAGTTCATTTAGAGAACATGAA-3'

ClinVar aggregate classification (germline): Pathogenic (1 of 4 stars; one submission).

Conditions:
Hereditary breast ovarian cancer syndrome. Also called: Hereditary breast and ovarian cancer syndrome; BRCA1- and BRCA2-Associated Hereditary Breast and Ovarian Cancer; Hereditary breast and ovarian cancer; Hereditary breast and ovarian cancer syndrome (HBOC); Breast and ovarian cancer; Hereditary breast and/or ovarian cancer syndrome. Identifiers: Orphanet 145, MedGen C0677776, MeSH D061325, MONDO:0003582. Disease mechanism: loss of function.

Submission:

Women's Health and Genetics/Laboratory Corporation of America, LabCorp
Classification: Pathogenic for Hereditary breast ovarian cancer syndrome. Last evaluated: 2025-07-09. Review status: criteria provided, single submitter. Criteria: LabCorp Variant Classification Summary - May 2015. Collection method: clinical testing. Allele origin: germline.
Comment: Variant summary: PALB2 c.1035_1038delAAAA (p.Lys346AsnfsX9) results in a premature termination codon, predicted to cause a truncation of the encoded protein or absence of the protein due to nonsense mediated decay, which are commonly known mechanisms for disease. The variant was absent in 251120 control chromosomes (gnomAD). To our knowledge, no occurrence of c.1035_1038delAAAA in individuals affected with Hereditary Breast And Ovarian Cancer Syndrome and no experimental evidence demonstrating its impact on protein function have been reported. No submitters have cited clinical-significance assessments for this variant to ClinVar. Based on the evidence outlined above, the variant was classified as pathogenic.